The following is an entry in ClinVar:

ClinVar aggregate classification (germline): Uncertain significance (1 of 4 stars; one submission).

Conditions:
Developmental and epileptic encephalopathy, 42 (DEE42A). Also called: DEVELOPMENTAL AND EPILEPTIC ENCEPHALOPATHY 42A; EPILEPTIC ENCEPHALOPATHY, EARLY INFANTILE, 42A; Epileptic encephalopathy, early infantile, 42. Identifiers: MedGen C4310716, MONDO:0014917, OMIM 617106.
Episodic ataxia type 2 (EA2). Also called: ATAXIA, EPISODIC, WITH NYSTAGMUS; ATAXIA, FAMILIAL PAROXYSMAL; CEREBELLAR ATAXIA, PAROXYSMAL, ACETAZOLAMIDE-RESPONSIVE; CEREBELLOPATHY, HEREDITARY PAROXYSMAL; EPISODIC ATAXIA, NYSTAGMUS-ASSOCIATED; ACETAZOLAMIDE-RESPONSIVE HEREDITARY PAROXYSMAL CEREBELLAR ATAXIA. Identifiers: Orphanet 97, MedGen C1720416, MONDO:0007163, OMIM 108500.

Allele frequency attached by ClinVar (database versions not stated): gnomAD exomes below 0.00001 and 0.00001.

Submission:

Labcorp Genetics (formerly Invitae), Labcorp
Classification: Uncertain significance for Developmental and epileptic encephalopathy, 42; Episodic ataxia type 2. Last evaluated: 2020-12-24. Review status: criteria provided, single submitter. Criteria: Invitae Variant Classification Sherloc (09022015). Collection method: clinical testing. Allele origin: germline.
Comment: This sequence change replaces methionine with isoleucine at codon 1927 of the CACNA1A protein (p.Met1927Ile). The methionine residue is moderately conserved and there is a small physicochemical difference between methionine and isoleucine. This variant is not present in population databases (ExAC no frequency). This variant has not been reported in the literature in individuals with CACNA1A-related conditions. Advanced modeling of protein sequence and biophysical properties (such as structural, functional, and spatial information, amino acid conservation, physicochemical variation, residue mobility, and thermodynamic stability) performed at Invitae indicates that this missense variant is not expected to disrupt CACNA1A protein function. In summary, the available evidence is currently insufficient to determine the role of this variant in disease. Therefore, it has been classified as a Variant of Uncertain Significance.

NM_001127222.2(CACNA1A):c.5778G>A (p.Met1926Ile)

Gene: CACNA1A (calcium voltage-gated channel subunit alpha1 A; minus strand). Cytogenetic location: 19p13.13.
Variant type: single nucleotide variant.
Coding change: c.5778G>A on transcript NM_001127222.2 (MANE Select); coding-DNA position 5778, G replaced by A.
Protein change: p.Met1926Ile; replaces methionine 1926 with isoleucine.
Molecular consequence: missense variant.
Genome position (GRCh38, 1-based): chr19:13,214,562, C>T on the plus strand (G>A on the coding strand, the complement: CACNA1A is on the minus strand). VCF-style: chr19-13214562-C-T. GRCh37 (hg19) VCF-style: chr19-13325376-C-T.
Other names: c.5796G>A, p.Met1932Ile (NM_000068.4, NM_023035.3); c.5781G>A, p.Met1927Ile (NM_001127221.2); c.5787G>A, p.Met1929Ile (NM_001174080.2); short protein forms M1929I, M1932I, M1926I, M1927I.
Identifiers: ClinVar variation 1464024 (VCV001464024.8), dbSNP rs1252683687, ClinGen allele CA404334512.